The following is an entry in ClinVar:

ClinVar aggregate classification (germline): Likely benign (1 of 4 stars; one submission).

Allele frequency attached by ClinVar (database versions not stated): 1000 Genomes Project 30x 0.00031; ExAC 0.00036; 1000 Genomes Project 0.00040; ESP Exome Variant Server 0.00080; gnomAD 0.00081; TOPMed 0.00105.
gnomAD v4.1: 277 of 1,592,440 alleles (0.017%); highest among the groups gnomAD compares: African/African-American, 0.27%; 1 homozygote.

Submission:

CeGaT Center for Human Genetics Tuebingen
Classification: Likely benign. Last evaluated: 2022-09-01. Review status: criteria provided, single submitter. Criteria: CeGaT Center For Human Genetics Tuebingen Variant Classification Criteria Version 2. Collection method: clinical testing. Allele origin: germline. Affected: yes. Observed: 1 variant allele.
Comment: STPG3: BP4, BP7

NM_001004353.4(STPG3):c.*26C>A

Genes: CIMIP2A (ciliary microtubule inner protein 2A; minus strand), STPG3 (sperm-tail PG-rich repeat containing 3; plus strand), STPG3-AS1 (STPG3 antisense RNA 1; minus strand). Cytogenetic location: 9q34.3.
Variant type: single nucleotide variant.
Coding change: c.*26C>A on transcript NM_001004353.4 (MANE Select); 26 bases downstream of the stop codon, C replaced by A.
Molecular consequence: 3 prime UTR variant. On other transcripts: non-coding transcript variant (3), synonymous variant (2).
Genome position (GRCh38, 1-based): chr9:137,253,271, C>A. VCF-style: chr9-137253271-C-A. GRCh37 (hg19) VCF-style: chr9-140147723-C-A.
Other names: c.969C>A, p.Gly323= (NM_001256699.2); c.804C>A, p.Gly268= (NM_001256700.2); c.*26C>A (NM_001256701.2).
Identifiers: ClinVar variation 2659816 (VCV002659816.24), dbSNP rs200290581, ClinGen allele CA5366614.